The following is an entry in ClinVar:

ClinVar aggregate classification (germline): Likely benign. Review status: criteria provided, multiple submitters, no conflicts (2 of 4 stars). 2 submissions from 2 submitters: Likely benign (2). Last evaluated 2025-09-30.

Conditions:
IMPG2-related disorder. Also called: IMPG2-related condition.

Allele frequency attached by ClinVar (database versions not stated): ExAC 0.00002; gnomAD exomes 0.00002; TOPMed 0.00004; gnomAD 0.00005 and 0.00006.
gnomAD v4.1: 66 of 1,594,114 alleles (0.0041%); highest among the groups gnomAD compares: Non-Finnish European, 0.0053%; no homozygotes.

Submissions (2):

Labcorp Genetics (formerly Invitae), Labcorp
Classification: Likely benign. Last evaluated: 2025-09-30. Review status: criteria provided, single submitter. Criteria: Invitae Variant Classification Sherloc (09022015). Collection method: clinical testing. Allele origin: germline.

PreventionGenetics, part of Exact Sciences
Classification: Likely benign for IMPG2-related condition. Last evaluated: 2025-09-05. Review status: criteria provided, single submitter. Criteria: ACMG Guidelines, 2015. Collection method: clinical testing. Allele origin: germline.
Comment: This variant is classified as likely benign based on ACMG/AMP sequence variant interpretation guidelines (Richards et al. 2015 PMID: 25741868, with internal and published modifications).

NM_016247.4(IMPG2):c.1746G>C (p.Val582=)

Gene: IMPG2 (interphotoreceptor matrix proteoglycan 2; minus strand). Cytogenetic location: 3q12.3.
Variant type: single nucleotide variant.
Coding change: c.1746G>C on transcript NM_016247.4 (MANE Select); coding-DNA position 1746, G replaced by C.
Protein change: p.Val582=; no amino-acid change (valine 582 retained).
Molecular consequence: synonymous variant.
Genome position (GRCh38, 1-based): chr3:101,244,585, C>G on the plus strand (G>C on the coding strand, the complement: IMPG2 is on the minus strand). VCF-style: chr3-101244585-C-G. GRCh37 (hg19) VCF-style: chr3-100963429-C-G.
Other names: c.1746G>C (NM_016247.3).
Identifiers: ClinVar variation 1078497 (VCV001078497.10), dbSNP rs150786431, ClinGen allele CA2519098.
Genomic context (GRCh38, chr3:101,244,585, plus strand): 5'-ACCTAAACCACCGTCAAATATTAACTCTTTTTCCATGGATGCATCTGGCAGGAAAGGGCT[C>G]ACTTTTAATTGGTCTTTGACTTTGGAGGTCAAGGAGTCCAAGCCAAAAGGTATAGAAGAG-3'
Protein context (NP_057331.2, residues 572-592): LTSKVKDQLK[Val582=]SPFLPDASME